The following is an entry in ClinVar:

NM_000377.3(WAS):c.753del (p.Trp252fs)

Gene: WAS (WASP actin nucleation promoting factor; plus strand). Cytogenetic location: Xp11.23.
Variant type: Deletion.
Coding change: c.753del on transcript NM_000377.3 (MANE Select); coding-DNA position 753, one base deleted (G; older notation c.753delG).
Protein change: p.Trp252fs; shifts the reading frame from tryptophan 252.
Molecular consequence: frameshift variant.
Genome position (GRCh38, 1-based): chrX:48,688,072, G deleted; the last of 4 consecutive G bases (chrX:48,688,069-48,688,072); deleting any one gives the same sequence. VCF-style (leftmost placement, unchanged base first): chrX-48688068-TG-T. GRCh37 (hg19) VCF-style: chrX-48546457-TG-T.
Other names: short protein forms W252fs.
Identifiers: ClinVar variation 3256571 (VCV003256571.1).
Genomic context (GRCh38, chrX:48,688,068, plus strand): 5'-AAGGAAGGGCAGTGAGGATTCACTGGAGTCTCTTCACCTCTCCCAGGCATGTCAGCCACG[TG>T]GGGTGGGACCCCCAGAATGGATTTGACGTGAGTAACTTCAGAGTCTCTTGGACTCCACTA-3'

ClinVar aggregate classification (germline): Likely pathogenic (1 of 4 stars; one submission).

Conditions:
Thrombocytopenia 1. Also called: X-Linked Thrombocytopenia (XLT); X-linked thrombocytopenia with normal platelets; THROMBOCYTOPENIA, X-LINKED, 1. Identifiers: Orphanet 268322, Orphanet 852, MedGen C1839163, MONDO:0010743, OMIM 313900.

Submission:

Laboratory of Medical Genetics, National & Kapodistrian University of Athens
Classification: Likely pathogenic for Thrombocytopenia 1. Last evaluated: 2023-11-08. Review status: criteria provided, single submitter. Criteria: ACMG Guidelines, 2015. Collection method: clinical testing. Allele origin: germline. Affected: yes.
Comment: PVS1, PM2 - The variant is expected to result in an absent or disrupted protein product. Low frequency in gnomAD population databases.